The following is an entry in ClinVar:

ClinVar aggregate classification (germline): Likely pathogenic (1 of 4 stars; one submission).

Conditions:
WDPCP-related disorder. Also called: WDPCP-related condition.

Allele frequency attached by ClinVar (database versions not stated): TOPMed below 0.00001; ExAC 0.00001.
gnomAD v4.1: 11 of 1,612,678 alleles (0.00068%); highest among the groups gnomAD compares: Admixed American, 0.0067%; no homozygotes.

Submission:

PreventionGenetics, part of Exact Sciences
Classification: Likely pathogenic for WDPCP-related condition. Last evaluated: 2026-06-17. Review status: criteria provided, single submitter. Criteria: ACMG Guidelines, 2015. Collection method: clinical testing. Allele origin: germline.
Comment: The WDPCP c.1447C>T variant is predicted to result in premature protein termination (p.Arg483*). To our knowledge, this variant has not been reported in the literature. This variant is reported in 0.0088% of alleles in individuals of Latino descent in gnomAD. Nonsense variants in WDPCP are expected to be pathogenic. This variant is interpreted as likely pathogenic.

NM_015910.7(WDPCP):c.1447C>T (p.Arg483Ter)

Gene: WDPCP (WD repeat containing planar cell polarity effector; minus strand). Cytogenetic location: 2p15.
Variant type: single nucleotide variant.
Coding change: c.1447C>T on transcript NM_015910.7 (MANE Select); coding-DNA position 1447, C replaced by T.
Protein change: p.Arg483Ter; replaces arginine 483 with a stop codon.
Molecular consequence: nonsense. On other transcripts: non-coding transcript variant (3).
Genome position (GRCh38, 1-based): chr2:63,382,083, G>A on the plus strand (C>T on the coding strand, the complement: WDPCP is on the minus strand). VCF-style: chr2-63382083-G-A. GRCh37 (hg19) VCF-style: chr2-63609218-G-A.
Other names: c.970C>T, p.Arg324Ter (NM_001042692.3); c.1375C>T, p.Arg459Ter (NM_001354044.2); c.1447C>T, p.Arg483Ter (NM_001354045.2); short protein forms R324*, R459*, R483*.
Identifiers: ClinVar variation 2630975 (VCV002630975.2), dbSNP rs768036084, ClinGen allele CA1682203.